The following is an entry in ClinVar:

ClinVar aggregate classification (germline): Uncertain significance (1 of 4 stars; one submission).

Conditions:
MHC class II deficiency. Also called: Bare lymphocyte syndrome 2; BLS, TYPE II. Identifiers: Orphanet 572, MedGen C5447452, MONDO:0008855.

Submission:

Labcorp Genetics (formerly Invitae), Labcorp
Classification: Uncertain significance for MHC class II deficiency. Last evaluated: 2022-04-07. Review status: criteria provided, single submitter. Criteria: Invitae Variant Classification Sherloc (09022015). Collection method: clinical testing. Allele origin: germline.
Comment: This sequence change replaces aspartic acid, which is acidic and polar, with histidine, which is basic and polar, at codon 446 of the CIITA protein (p.Asp446His). This variant is not present in population databases (gnomAD no frequency). This variant has not been reported in the literature in individuals affected with CIITA-related conditions. Algorithms developed to predict the effect of missense changes on protein structure and function are either unavailable or do not agree on the potential impact of this missense change (SIFT: "Deleterious"; PolyPhen-2: "Probably Damaging"; Align-GVGD: "Class C0"). In summary, the available evidence is currently insufficient to determine the role of this variant in disease. Therefore, it has been classified as a Variant of Uncertain Significance.

NM_000246.4(CIITA):c.1336G>C (p.Asp446His)

Gene: CIITA (class II major histocompatibility complex transactivator; plus strand). Cytogenetic location: 16p13.13.
Variant type: single nucleotide variant.
Coding change: c.1336G>C on transcript NM_000246.4 (MANE Select); coding-DNA position 1336, G replaced by C.
Protein change: p.Asp446His; replaces aspartic acid 446 with histidine.
Molecular consequence: missense variant. On other transcripts: intron variant (1).
Genome position (GRCh38, 1-based): chr16:10,906,828, G>C. VCF-style: chr16-10906828-G-C. GRCh37 (hg19) VCF-style: chr16-11000685-G-C.
Other names: c.1339G>C, p.Asp447His (NM_001286402.1, NM_001379332.1); c.1192G>C, p.Asp398His (NM_001379330.1); c.1189G>C, p.Asp397His (NM_001379331.1); c.1336G>C, p.Asp446His (NM_001379333.1); c.1267G>C, p.Asp423His (NM_001379334.1); c.859+2016G>C (NM_001286403.2); short protein forms D397H, D423H, D398H, D446H, D447H.
Identifiers: ClinVar variation 2122744 (VCV002122744.4), dbSNP rs746605931, ClinGen allele CA394730300.